The following is an entry in ClinVar:

ClinVar aggregate classification (germline): Conflicting classifications of pathogenicity. Review status: criteria provided, conflicting classifications (1 of 4 stars). 3 submissions from 3 submitters: Uncertain significance (2); Likely benign (1). Last evaluated 2025-05-27.

Conditions:
Developmental and epileptic encephalopathy, 1 (DEE1). Also called: X-linked infantile spasms; West's syndrome; Tonic spasms with clustering, arrest of psychomotor development and hypsarrhythmia on EEG; X-Linked Infantile Spasm Syndrome; OHTAHARA SYNDROME, X-LINKED; INFANTILE SPASM SYNDROME, X-LINKED 1. Identifiers: MedGen C3463992, MONDO:0010632, OMIM 308350. Disease mechanism: loss of function.
Intellectual disability, X-linked, with or without seizures, ARX-related. Also called: Mental retardation, X-linked 52; INTELLECTUAL DEVELOPMENTAL DISORDER, X-LINKED 29; MENTAL RETARDATION, X-LINKED 29; MENTAL RETARDATION, X-LINKED 32; MENTAL RETARDATION, X-LINKED 33; MENTAL RETARDATION, X-LINKED 38. Identifiers: Orphanet 777, MedGen C0796244, MONDO:0010317, OMIM 300419.
Inborn genetic diseases. Identifiers: MedGen C0950123, MeSH D030342.

Allele frequency attached by ClinVar (database versions not stated): gnomAD 0.00001 and 0.00002; gnomAD exomes 0.00003; ExAC 0.00004.
gnomAD v4.1: 39 of 1,140,320 alleles (0.0034%); highest among the groups gnomAD compares: Non-Finnish European, 0.0029%; no homozygotes.

Submissions (3):

Women's Health and Genetics/Laboratory Corporation of America, LabCorp
Classification: Uncertain significance. Last evaluated: 2025-05-27. Review status: criteria provided, single submitter. Criteria: LabCorp Variant Classification Summary - May 2015. Collection method: clinical testing. Allele origin: germline.
Comment: Variant summary: ARX c.1471C>A (p.Leu491Met) results in a conservative amino acid change in the encoded protein sequence. Algorithms developed to predict the effect of missense changes on protein structure and function are either unavailable or do not agree on the potential impact of this missense change. The variant allele was found at a frequency of 3.4e-05 in 1136121 control chromosomes in the gnomAD database (v4.1 dataset), including 12 hemizygotes. The occurrence in several hemizygotes suggests that this variant is likely not associated with a high penetrance, severe, early onset disease phenotype in hemizygous state. To our knowledge, no occurrence of c.1471C>A in individuals affected with AXR-Related Disorder and no experimental evidence demonstrating its impact on protein function have been reported. ClinVar contains an entry for this variant (Variation ID: 1010226). Based on the evidence outlined above, the variant was classified as VUS-possibly benign.

Ambry Genetics
Classification: Likely benign for Inborn genetic diseases. Last evaluated: 2024-09-27. Review status: criteria provided, single submitter. Criteria: Ambry Variant Classification Scheme 2023. Collection method: clinical testing. Allele origin: germline.

Labcorp Genetics (formerly Invitae), Labcorp
Classification: Uncertain significance for Developmental and epileptic encephalopathy, 1; Intellectual disability, X-linked, with or without seizures, ARX-related. Last evaluated: 2023-04-29. Review status: criteria provided, single submitter. Criteria: Invitae Variant Classification Sherloc (09022015). Collection method: clinical testing. Allele origin: germline.
Comment: The frequency data for this variant in the population databases is considered unreliable, as metrics indicate poor data quality at this position in the gnomAD database. This sequence change replaces leucine, which is neutral and non-polar, with methionine, which is neutral and non-polar, at codon 491 of the ARX protein (p.Leu491Met). This variant has not been reported in the literature in individuals affected with ARX-related conditions. ClinVar contains an entry for this variant (Variation ID: 1010226). In summary, the available evidence is currently insufficient to determine the role of this variant in disease. Therefore, it has been classified as a Variant of Uncertain Significance. Advanced modeling of protein sequence and biophysical properties (such as structural, functional, and spatial information, amino acid conservation, physicochemical variation, residue mobility, and thermodynamic stability) performed at Invitae indicates that this missense variant is not expected to disrupt ARX protein function.

NM_139058.3(ARX):c.1471C>A (p.Leu491Met)

Gene: ARX (aristaless related homeobox; minus strand). Cytogenetic location: Xp21.3.
Variant type: single nucleotide variant.
Coding change: c.1471C>A on transcript NM_139058.3 (MANE Select); coding-DNA position 1471, C replaced by A.
Protein change: p.Leu491Met; replaces leucine 491 with methionine.
Molecular consequence: missense variant.
Genome position (GRCh38, 1-based): chrX:25,004,888, G>T on the plus strand (C>A on the coding strand, the complement: ARX is on the minus strand). VCF-style: chrX-25004888-G-T. GRCh37 (hg19) VCF-style: chrX-25023005-G-T.
Other names: short protein forms L491M.
Identifiers: ClinVar variation 1010226 (VCV001010226.12), dbSNP rs752807804, ClinGen allele CA10373778.